The following is an entry in ClinVar:

ClinVar aggregate classification (germline): Conflicting classifications of pathogenicity. Review status: criteria provided, conflicting classifications (1 of 4 stars). 7 submissions from 7 submitters: Uncertain significance (1); Benign (1); Likely benign (4). 1 of the submissions does not count toward it. Last evaluated 2026-06-01.

Conditions:
LOXHD1-related disorder. Also called: LOXHD1-related condition.
Autosomal recessive nonsyndromic hearing loss 77. Identifiers: Orphanet 90636, MedGen C2746083, MONDO:0013119, OMIM 613079.

Allele frequency attached by ClinVar (database versions not stated): 1000 Genomes Project 30x 0.00078; TOPMed 0.00129; gnomAD exomes 0.00154 and 0.00132; ExAC 0.00184; 1000 Genomes Project 0.00080; gnomAD 0.00110 and 0.00112.

Submissions (7):

CeGaT Center for Human Genetics Tuebingen
Classification: Benign. Last evaluated: 2026-06-01. Review status: criteria provided, single submitter. Criteria: CeGaT Center For Human Genetics Tuebingen Variant Classification Criteria Version 2. Collection method: clinical testing. Allele origin: germline. Affected: yes. Observed: 5 variant alleles.
Comment: LOXHD1: BP4, BS1, BS2

Blueprint Genetics
Classification: Likely benign. Last evaluated: 2024-11-25. Review status: criteria provided, single submitter. Criteria: ACMG Guidelines, 2015. Collection method: clinical testing. Allele origin: germline.

Department of Pathology and Laboratory Medicine, Sinai Health System
Classification: Uncertain significance for Autosomal recessive nonsyndromic hearing loss 77. Last evaluated: 2020-08-26. Review status: criteria provided, single submitter. Criteria: ACMG Guidelines, 2015. Collection method: research. Allele origin: germline.

GeneDx
Classification: Likely benign. Last evaluated: 2018-12-17. Review status: criteria provided, single submitter. Criteria: GeneDx Variant Classification Process June 2021. Collection method: clinical testing. Allele origin: germline. Affected: yes.

Laboratory for Molecular Medicine, Mass General Brigham Personalized Medicine
Classification: Likely benign. Last evaluated: 2015-11-25. Review status: criteria provided, single submitter. Criteria: LMM Criteria. Collection method: clinical testing. Allele origin: germline. Observed: 6 variant alleles.
Comment: p.Gly1114Arg in exon 40 of LOXHD1: This variant is not expected to have clinical significance because it has been identified in 0.39% (34/8752) of European chro mosomes by the Exome Aggregation Consortium (ExAC, g; dbSNP rs142931455).

Breakthrough Genomics
Classification: Likely benign. Review status: criteria provided, single submitter. Criteria: ACMG Guidelines, 2015. Collection method: not provided. Allele origin: germline. Inheritance: Autosomal recessive inheritance. Affected: yes.

PreventionGenetics, part of Exact Sciences
Classification: Benign for LOXHD1-related condition. Last evaluated: 2019-08-13. Review status: no assertion criteria provided. Collection method: clinical testing. Allele origin: germline. Not counted in ClinVar's aggregate classification.
Comment: This variant is classified as benign based on ACMG/AMP sequence variant interpretation guidelines (Richards et al. 2015 PMID: 25741868, with internal and published modifications).

NM_001145472.3(LOXHD1):c.3340G>A (p.Gly1114Arg)

Gene: LOXHD1 (lipoxygenase homology PLAT domains 1; minus strand). Cytogenetic location: 18q21.1.
Variant type: single nucleotide variant.
Coding change: c.3340G>A on transcript NM_001145472.3; coding-DNA position 3340, G replaced by A.
Protein change: p.Gly1114Arg; replaces glycine 1114 with arginine.
Molecular consequence: missense variant. On other transcripts: 3 prime UTR variant (2).
Genome position (GRCh38, 1-based): chr18:46,477,188, C>T on the plus strand (G>A on the coding strand, the complement: LOXHD1 is on the minus strand). VCF-style: chr18-46477188-C-T. GRCh37 (hg19) VCF-style: chr18-44057151-C-T.
Other names: c.*30G>A (NM_001173129.2, NM_001308013.2); short protein forms G1114R.
Identifiers: ClinVar variation 178389 (VCV000178389.36), dbSNP rs142931455, ClinGen allele CA182235.